The following is an entry in ClinVar:

ClinVar aggregate classification (germline): Conflicting classifications of pathogenicity. Review status: criteria provided, conflicting classifications (1 of 4 stars). 4 submissions from 4 submitters: Uncertain significance (2); Likely benign (2). Last evaluated 2024-12-12.

Conditions:
Primary ciliary dyskinesia. Also called: Ciliary dyskinesia. Identifiers: Orphanet 244, MedGen C0008780, MONDO:0016575, HP:0012265.
Primary ciliary dyskinesia 7. Also called: CILIARY DYSKINESIA, PRIMARY, 7, WITH OR WITHOUT SITUS INVERSUS. Identifiers: Orphanet 244, MedGen C2678473, MONDO:0012748, OMIM 611884.

Allele frequency attached by ClinVar (database versions not stated): gnomAD exomes below 0.00001; ExAC 0.00001; TOPMed 0.00002; gnomAD 0.00009.
gnomAD v4.1: 33 of 1,612,772 alleles (0.002%); highest among the groups gnomAD compares: Admixed American, 0.022%; 2 homozygotes.

Submissions (4):

Labcorp Genetics (formerly Invitae), Labcorp
Classification: Likely benign for Primary ciliary dyskinesia. Last evaluated: 2024-12-12. Review status: criteria provided, single submitter. Criteria: Invitae Variant Classification Sherloc (09022015). Collection method: clinical testing. Allele origin: germline.

Blueprint Genetics
Classification: Likely benign. Last evaluated: 2024-11-11. Review status: criteria provided, single submitter. Criteria: ACMG Guidelines, 2015. Collection method: clinical testing. Allele origin: germline.

Johns Hopkins Genomics, Johns Hopkins University
Classification: Uncertain significance for Primary ciliary dyskinesia 7. Last evaluated: 2024-01-12. Review status: criteria provided, single submitter. Criteria: ACMG Guidelines, 2015. Collection method: clinical testing. Allele origin: germline.
Comment: This DNAH11 missense variant (rs771891040) is rare (<0.1%) in a large population dataset (gnomAD v4.0.0: 33/1612772 total alleles; 0.002%; 2 homozygotes). It has been reported in ClinVar (Variation ID 1045999), but has not been reported in the literature, to our knowledge. Two bioinformatic tools queried predict that this substitution would be tolerated, and while the histidine residue at this position is evolutionarily conserved across many of the species assessed, several species have a different amino acid including some with tyrosine. We consider the clinical significance of c.1513C>T in DNAH11 to be uncertain at this time.

Ambry Genetics
Classification: Uncertain significance for Primary ciliary dyskinesia. Last evaluated: 2020-03-03. Review status: criteria provided, single submitter. Criteria: Ambry Variant Classification Scheme 2023. Collection method: clinical testing. Allele origin: germline.
Comment: The p.H505Y variant (also known as c.1513C>T), located in coding exon 8 of the DNAH11 gene, results from a C to T substitution at nucleotide position 1513. The histidine at codon 505 is replaced by tyrosine, an amino acid with similar properties. This amino acid position is poorly conserved in available vertebrate species. In addition, this alteration is predicted to be tolerated by in silico analysis. Since supporting evidence is limited at this time, the clinical significance of this alteration remains unclear.

NM_001277115.2(DNAH11):c.1513C>T (p.His505Tyr)

Gene: DNAH11 (dynein axonemal heavy chain 11; plus strand). Cytogenetic location: 7p15.3.
Variant type: single nucleotide variant.
Coding change: c.1513C>T on transcript NM_001277115.2 (MANE Select); coding-DNA position 1513, C replaced by T.
Protein change: p.His505Tyr; replaces histidine 505 with tyrosine.
Molecular consequence: missense variant.
Genome position (GRCh38, 1-based): chr7:21,571,893, C>T. VCF-style: chr7-21571893-C-T. GRCh37 (hg19) VCF-style: chr7-21611511-C-T.
Other names: short protein forms H505Y.
Identifiers: ClinVar variation 1045999 (VCV001045999.13), dbSNP rs771891040, ClinGen allele CA4179006.